The following is an entry in ClinVar:

ClinVar aggregate classification (germline): Benign (0 of 4 stars; one submission).

Conditions:
MYO7B-related disorder. Also called: MYO7B-related condition.

Allele frequency attached by ClinVar (database versions not stated): ESP Exome Variant Server 0.00047; gnomAD exomes 0.00396; gnomAD 0.00422; TOPMed 0.00501; ExAC 0.00848; 1000 Genomes Project 30x 0.01515; 1000 Genomes Project 0.01657.
gnomAD v4.1: 6,703 of 1,612,400 alleles (0.42%); highest among the groups gnomAD compares: East Asian, 12%; 407 homozygotes.

Submission:

PreventionGenetics, part of Exact Sciences
Classification: Benign for MYO7B-related condition. Last evaluated: 2019-09-18. Review status: no assertion criteria provided. Collection method: clinical testing. Allele origin: germline.
Comment: This variant is classified as benign based on ACMG/AMP sequence variant interpretation guidelines (Richards et al. 2015 PMID: 25741868, with internal and published modifications).

NM_001393586.1(MYO7B):c.426C>T (p.Tyr142=)

Genes: MYO7B (myosin VIIB; plus strand), LOC105373609 (uncharacterized LOC105373609; minus strand). Cytogenetic location: 2q14.3.
Variant type: single nucleotide variant.
Coding change: c.426C>T on transcript NM_001393586.1 (MANE Select); coding-DNA position 426, C replaced by T.
Protein change: p.Tyr142=; no amino-acid change (tyrosine 142 retained).
Molecular consequence: synonymous variant.
Genome position (GRCh38, 1-based): chr2:127,566,783, C>T. VCF-style: chr2-127566783-C-T. GRCh37 (hg19) VCF-style: chr2-128324358-C-T.
Other names: c.426C>T, p.Tyr142= (NM_001080527.2).
Identifiers: ClinVar variation 3059046 (VCV003059046.2), dbSNP rs117561134, ClinGen allele CA1860398.
Genomic context (GRCh38, chr2:127,566,783, plus strand): 5'-CTACAGCCGCCATATGGGCGAGCTGCCCCCGCATGTCTTTGCCATCGCCAACAACTGCTA[C>T]TTCAGCATGAAGAGGAACAAGAGGGACCAGTGCTGCATCATCAGGTGAGGCAGAGGGGTC-3'
Protein context (NP_001380515.1, residues 132-152): PHVFAIANNC[Tyr142=]FSMKRNKRDQ